The following is an entry in ClinVar:

ClinVar aggregate classification (germline): Likely benign. Review status: criteria provided, single submitter (1 of 4 stars). 2 submissions from 2 submitters: Likely benign (1). 1 of the submissions does not count toward it. Last evaluated 2024-05-01.

Conditions:
AUTS2-related disorder. Also called: AUTS2-related condition.

Allele frequency attached by ClinVar (database versions not stated): 1000 Genomes Project 30x 0.00016; ExAC 0.00027; gnomAD 0.00011; TOPMed 0.00011.
gnomAD v4.1: 111 of 1,539,812 alleles (0.0072%); highest among the groups gnomAD compares: East Asian, 0.045%; no homozygotes.

Submissions (2):

CeGaT Center for Human Genetics Tuebingen
Classification: Likely benign. Last evaluated: 2024-05-01. Review status: criteria provided, single submitter. Criteria: CeGaT Center For Human Genetics Tuebingen Variant Classification Criteria Version 2. Collection method: clinical testing. Allele origin: germline. Affected: yes. Observed: 1 variant allele.
Comment: AUTS2: BP4, BS1

PreventionGenetics, part of Exact Sciences
Classification: Likely benign for AUTS2-related condition. Last evaluated: 2023-04-17. Review status: no assertion criteria provided. Collection method: clinical testing. Allele origin: germline. Not counted in ClinVar's aggregate classification.
Comment: This variant is classified as likely benign based on ACMG/AMP sequence variant interpretation guidelines (Richards et al. 2015 PMID: 25741868, with internal and published modifications).

NM_015570.4(AUTS2):c.661-145267G>A

Gene: AUTS2 (activator of transcription and developmental regulator AUTS2; plus strand). Cytogenetic location: 7q11.22.
Variant type: single nucleotide variant.
Coding change: c.661-145267G>A on transcript NM_015570.4 (MANE Select); 145267 bases into the intron before coding-DNA position 661, G replaced by A.
Molecular consequence: intron variant. On other transcripts: missense variant (1).
Genome position (GRCh38, 1-based): chr7:70,290,485, G>A. VCF-style: chr7-70290485-G-A. GRCh37 (hg19) VCF-style: chr7-69755471-G-A.
Other names: c.778G>A, p.Val260Ile (NM_001127232.3); c.661-145267G>A (NM_001127231.3); short protein forms V260I.
Identifiers: ClinVar variation 3049368 (VCV003049368.20), dbSNP rs749105983, ClinGen allele CA4280409.
Genomic context (GRCh38, chr7:70,290,485, plus strand): 5'-AAGAGGGATGTCAGCAACACTTCATCCTGGGCCAGTAATAGGGAGAGTTTCTTTTCTCTC[G>A]TCAAATTGCTTAAAGGATTCTAGTTCCGTTTGGTGTGGTCACTCACATTTGAATTCTAAT-3'